The following is an entry in ClinVar:

NM_006030.4(CACNA2D2):c.1643A>G (p.Tyr548Cys)

Gene: CACNA2D2 (calcium voltage-gated channel auxiliary subunit alpha2delta 2; minus strand). Cytogenetic location: 3p21.31.
Variant type: single nucleotide variant.
Coding change: c.1643A>G on transcript NM_006030.4 (MANE Select); coding-DNA position 1643, A replaced by G.
Protein change: p.Tyr548Cys; replaces tyrosine 548 with cysteine.
Molecular consequence: missense variant.
Genome position (GRCh38, 1-based): chr3:50,376,172, T>C on the plus strand (A>G on the coding strand, the complement: CACNA2D2 is on the minus strand). VCF-style: chr3-50376172-T-C. GRCh37 (hg19) VCF-style: chr3-50413603-T-C.
Other names: c.1643A>G, p.Tyr548Cys (NM_001005505.3, NM_001174051.3); c.1436A>G, p.Tyr479Cys (NM_001291101.1); short protein forms Y479C, Y548C.
Identifiers: ClinVar variation 1057075 (VCV001057075.5), dbSNP rs139029952, ClinGen allele CA74613404.

ClinVar aggregate classification (germline): Uncertain significance (1 of 4 stars; one submission).

Conditions:
Developmental and epileptic encephalopathy. Identifiers: MedGen C5779964, MONDO:0100620.

Allele frequency attached by ClinVar (database versions not stated): gnomAD exomes below 0.00001 and 0.00001; TOPMed 0.00001; gnomAD 0.00002.

Submission:

Labcorp Genetics (formerly Invitae), Labcorp
Classification: Uncertain significance for Early-infantile DEE. Last evaluated: 2022-03-23. Review status: criteria provided, single submitter. Criteria: Invitae Variant Classification Sherloc (09022015). Collection method: clinical testing. Allele origin: germline.
Comment: In summary, the available evidence is currently insufficient to determine the role of this variant in disease. Therefore, it has been classified as a Variant of Uncertain Significance. ClinVar contains an entry for this variant (Variation ID: 1057075). This sequence change replaces tyrosine, which is neutral and polar, with cysteine, which is neutral and slightly polar, at codon 548 of the CACNA2D2 protein (p.Tyr548Cys). This variant is present in population databases (rs139029952, gnomAD 0.003%). This variant has not been reported in the literature in individuals affected with CACNA2D2-related conditions. Algorithms developed to predict the effect of missense changes on protein structure and function are either unavailable or do not agree on the potential impact of this missense change (SIFT: "Deleterious"; PolyPhen-2: "Probably Damaging"; Align-GVGD: "Class C0"). Algorithms developed to predict the effect of sequence changes on RNA splicing suggest that this variant may create or strengthen a splice site.